The following is an entry in ClinVar:

ClinVar aggregate classification (germline): Uncertain significance. Review status: criteria provided, multiple submitters, no conflicts (2 of 4 stars). 2 submissions from 2 submitters: Uncertain significance (2). Last evaluated 2025-11-17.

Conditions:
Hereditary cancer-predisposing syndrome. Also called: Tumor predisposition; Hereditary Cancer Syndrome; Hereditary neoplastic syndrome; Neoplastic Syndromes, Hereditary. Identifiers: Orphanet 140162, MedGen C0027672, MeSH D009386, MONDO:0015356.
POLD1-related polyposis and colorectal cancer syndrome (CRCS10). Also called: Colorectal cancer 10; COLORECTAL CANCER, SUSCEPTIBILITY TO, ON CHROMOSOME 19q; Colorectal cancer, susceptibility to, 10. Identifiers: Orphanet 220460, MedGen C2675481, MONDO:0012953, OMIM 612591.

Submissions (2):

Labcorp Genetics (formerly Invitae), Labcorp
Classification: Uncertain significance for POLD1-related polyposis and colorectal cancer syndrome. Last evaluated: 2025-11-17. Review status: criteria provided, single submitter. Criteria: Invitae Variant Classification Sherloc (09022015). Collection method: clinical testing. Allele origin: germline.
Comment: This sequence change replaces arginine, which is basic and polar, with cysteine, which is neutral and slightly polar, at codon 968 of the POLD1 protein (p.Arg968Cys). This variant is not present in population databases (gnomAD no frequency). This variant has not been reported in the literature in individuals affected with POLD1-related conditions. ClinVar contains an entry for this variant (Variation ID: 834905). Invitae Evidence Modeling of protein sequence and biophysical properties (such as structural, functional, and spatial information, amino acid conservation, physicochemical variation, residue mobility, and thermodynamic stability) indicates that this missense variant is expected to disrupt POLD1 protein function with a positive predictive value of 80%. In summary, the available evidence is currently insufficient to determine the role of this variant in disease. Therefore, it has been classified as a Variant of Uncertain Significance.

Ambry Genetics
Classification: Uncertain significance for Hereditary cancer-predisposing syndrome. Last evaluated: 2025-01-21. Review status: criteria provided, single submitter. Criteria: Ambry Variant Classification Scheme 2023. Collection method: clinical testing. Allele origin: germline.
Comment: The p.R968C variant (also known as c.2902C>T), located in coding exon 22 of the POLD1 gene, results from a C to T substitution at nucleotide position 2902. The arginine at codon 968 is replaced by cysteine, an amino acid with highly dissimilar properties. This amino acid position is highly conserved in available vertebrate species. In addition, the in silico prediction for this alteration is inconclusive. Based on the available evidence, the clinical significance of this variant remains unclear.

NM_002691.4(POLD1):c.2902C>T (p.Arg968Cys)

Gene: POLD1 (DNA polymerase delta 1, catalytic subunit; plus strand). Cytogenetic location: 19q13.33.
Variant type: single nucleotide variant.
Coding change: c.2902C>T on transcript NM_002691.4 (MANE Select); coding-DNA position 2902, C replaced by T.
Protein change: p.Arg968Cys; replaces arginine 968 with cysteine.
Molecular consequence: missense variant. On other transcripts: non-coding transcript variant (1).
Genome position (GRCh38, 1-based): chr19:50,416,477, C>T. VCF-style: chr19-50416477-C-T. GRCh37 (hg19) VCF-style: chr19-50919734-C-T.
Other names: c.2902C>T (NM_002691.2); c.2902C>T, p.Arg968Cys (NM_001256849.1); c.2980C>T, p.Arg994Cys (NM_001308632.1); short protein forms R994C, R968C.
Identifiers: ClinVar variation 834905 (VCV000834905.10), dbSNP rs878854545, ClinGen allele CA406986503.